The following is an entry in ClinVar:

NM_025137.4(SPG11):c.2938T>A (p.Tyr980Asn)

Gene: SPG11 (SPG11 vesicle trafficking associated, spatacsin; minus strand). Cytogenetic location: 15q21.1.
Variant type: single nucleotide variant.
Coding change: c.2938T>A on transcript NM_025137.4 (MANE Select); coding-DNA position 2938, T replaced by A.
Protein change: p.Tyr980Asn; replaces tyrosine 980 with asparagine.
Molecular consequence: missense variant.
Genome position (GRCh38, 1-based): chr15:44,615,463, A>T on the plus strand (T>A on the coding strand, the complement: SPG11 is on the minus strand). VCF-style: chr15-44615463-A-T. GRCh37 (hg19) VCF-style: chr15-44907661-A-T.
Other names: c.2938T>A, p.Tyr980Asn (NM_001160227.2); short protein forms Y980N.
Identifiers: ClinVar variation 664344 (VCV000664344.6), dbSNP rs1595883966, ClinGen allele CA392229439.
Genomic context (GRCh38, chr15:44,615,463, plus strand): 5'-TGTGCTCCAAACAATAGAGAATGAATTGAGAATGGAAATCCCAACCTTCTTTGGTCTTGT[A>T]GTTTTGAACAGGGAGGGTATCCTGTATTACACCTCCAATACGGCTCAGTCTTAGGAGGAA-3'
Protein context (NP_079413.3, residues 970-990): VIQDTLPVQN[Tyr980Asn]KTKEGWDFHS

ClinVar aggregate classification (germline): Uncertain significance (1 of 4 stars; one submission).

Conditions:
Hereditary spastic paraplegia 11. Also called: Spastic paraplegia, mental retardation and thin corpus callosum; Nakamura Osame syndrome; Autosomal recessive hereditary spastic paraplegia, mental impairment, and thin corpus callosum; SPASTIC PARAPLEGIA, AUTOSOMAL RECESSIVE, COMPLICATED, WITH THIN CORPUS CALLOSUM; SPASTIC PARAPLEGIA, AUTOSOMAL RECESSIVE, WITH MENTAL IMPAIRMENT AND THIN CORPUS CALLOSUM; Spastic Paraplegia 11. Identifiers: Orphanet 2822, MedGen C1858479, MONDO:0011445, OMIM 604360.

Submission:

Labcorp Genetics (formerly Invitae), Labcorp
Classification: Uncertain significance for Hereditary spastic paraplegia 11. Last evaluated: 2021-08-24. Review status: criteria provided, single submitter. Criteria: Invitae Variant Classification Sherloc (09022015). Collection method: clinical testing. Allele origin: germline.
Comment: This sequence change replaces tyrosine with asparagine at codon 980 of the SPG11 protein (p.Tyr980Asn). The tyrosine residue is highly conserved and there is a large physicochemical difference between tyrosine and asparagine. This variant is not present in population databases (ExAC no frequency). This variant has not been reported in the literature in individuals affected with SPG11-related conditions. Algorithms developed to predict the effect of missense changes on protein structure and function are either unavailable or do not agree on the potential impact of this missense change (SIFT: "Deleterious"; PolyPhen-2: "Probably Damaging"; Align-GVGD: "Class C0"). In summary, the available evidence is currently insufficient to determine the role of this variant in disease. Therefore, it has been classified as a Variant of Uncertain Significance.